The following is an entry in ClinVar:

ClinVar aggregate classification (germline): Likely pathogenic. Review status: reviewed by expert panel (3 of 4 stars). 4 submissions from 4 submitters: Likely pathogenic (1). 3 of the submissions do not count toward it. Last evaluated 2024-04-16.

Conditions:
Glanzmann thrombasthenia 1 (GT1). Also called: GP IIb-IIIa COMPLEX DEFICIENCY; GLYCOPROTEIN COMPLEX IIb-IIIa DEFICIENCY; PLATELET FIBRINOGEN RECEPTOR DEFICIENCY; BLEEDING DISORDER, PLATELET-TYPE, 2. Identifiers: MedGen CN300358, MONDO:0031332, OMIM 273800.
Glanzmann thrombasthenia. Also called: THROMBASTHENIA OF GLANZMANN AND NAEGELI; Glanzmann's thrombasthenia; PLATELET GLYCOPROTEIN IIb-IIIa DEFICIENCY; Thrombasthenia. Identifiers: Orphanet 849, MedGen C0040015, MONDO:0100326.

Submissions (4):

ClinGen Platelet Disorders Variant Curation Expert Panel, ClinGen
Classification: Likely pathogenic for Glanzmann thrombasthenia. Last evaluated: 2024-04-16. Review status: reviewed by expert panel. Criteria: ClinGen Platelet ACMG Specifications v2-1. Collection method: curation. Allele origin: germline. Inheritance: Autosomal recessive inheritance.
Comment: The ITGA2B missense variant NM_000419.5:c.985G>T replaces the valine residue with a phenylalanine residue (p.Val329Phe) and is absent from control population databases. This variant has been observed in four individuals (in homozygosity in GT-56, PMID: 30792900 and DOI 10.24911/IJMDC.51-1568613172; in compound heterozygosity in Patient M, PMID: 12424194 (in trans with ITGA2B variant c.1232dup (p.Tyr411Ter), provisionally classified as pathogenic by the Platelet Disorders VCEP) and in heterozygosity in GT-62, PMID: 30792900 (second ITGA2B variant not identified)) suspected to have Glanzmann's thrombasthenia (GT). At least one of these individuals was reported to have a bleeding and laboratory phenotype specific for GT (DOI 10.24911/IJMDC.51-1568613172). Although functional studies of this variant have been reported (PMID: 12424194; flow cytometric detection of αIIbβ3 positive cells following transient transfection of ITGA2B cDNA carrying this variant, immunoprecipitation of αIIb in lysates of transiently transfected cells, and pulse-chase analysis), these experiments did not meet the requirements for PS3. In summary, this variant meets criteria to be classified as likely pathogenic for GT. GT-specific criteria applied: PM2_supporting, PM3_strong, PP4_moderate.

Mayo Clinic Laboratories, Mayo Clinic
Classification: Likely pathogenic. Last evaluated: 2025-05-09. Review status: criteria provided, single submitter. Criteria: ACMG Guidelines, 2015. Collection method: clinical testing. Allele origin: germline. Observed: 1 variant allele. Not counted in ClinVar's aggregate classification.
Comment: PP5, PM2_supporting, PM3_strong

Genomic Medicine Center of Excellence, King Faisal Specialist Hospital and Research Centre
Classification: Likely pathogenic for Glanzmann thrombasthenia 1. Last evaluated: 2024-09-22. Review status: criteria provided, single submitter. Criteria: ACMG Guidelines, 2015. Collection method: clinical testing. Allele origin: germline. Not counted in ClinVar's aggregate classification.

Baylor Genetics
Classification: Likely pathogenic for Glanzmann thrombasthenia 1. Last evaluated: 2020-01-17. Review status: criteria provided, single submitter. Criteria: ACMG Guidelines, 2015. Collection method: clinical testing. Allele origin: unknown. Affected: yes. Not counted in ClinVar's aggregate classification.
Comment: This variant was determined to be likely pathogenic according to ACMG Guidelines, 2015 [PMID:25741868].

Literature cited by the submitters: PubMed 12424194 (cited by Mayo Clinic Laboratories, Mayo Clinic); PubMed 30792900 (cited by Mayo Clinic Laboratories, Mayo Clinic).

NM_000419.5(ITGA2B):c.985G>T (p.Val329Phe)

Gene: ITGA2B (integrin subunit alpha 2b; minus strand). Cytogenetic location: 17q21.31.
Variant type: single nucleotide variant.
Coding change: c.985G>T on transcript NM_000419.5 (MANE Select); coding-DNA position 985, G replaced by T.
Protein change: p.Val329Phe; replaces valine 329 with phenylalanine.
Molecular consequence: missense variant.
Genome position (GRCh38, 1-based): chr17:44,383,907, C>A on the plus strand (G>T on the coding strand, the complement: ITGA2B is on the minus strand). VCF-style: chr17-44383907-C-A. GRCh37 (hg19) VCF-style: chr17-42461275-C-A.
Other names: p.Val329Phe; short protein forms V329F.
Identifiers: ClinVar variation 1030781 (VCV001030781.5), dbSNP rs2048619428, ClinGen allele CA399804719.